The following is an entry in ClinVar:

ClinVar aggregate classification (germline): Benign/Likely benign. Review status: criteria provided, multiple submitters, no conflicts (2 of 4 stars). 2 submissions from 2 submitters: Benign (1); Likely benign (1). Last evaluated 2024-01-16.

Conditions:
Methylmalonic acidemia with homocystinuria, type cblX (MAHCX). Also called: INTELLECTUAL DEVELOPMENTAL DISORDER, X-LINKED 3. Identifiers: Orphanet 369962, MedGen C0796208, MONDO:0010657, OMIM 309541.

Allele frequency attached by ClinVar (database versions not stated): gnomAD exomes 0.00001 and 0.00006; gnomAD 0.00006; TOPMed 0.00012; ExAC 0.00015; 1000 Genomes Project 0.00053; 1000 Genomes Project 30x 0.00062.
gnomAD v4.1: 19 of 1,164,038 alleles (0.0016%); highest among the groups gnomAD compares: African/African-American, 0.027%; no homozygotes.

Submissions (2):

Labcorp Genetics (formerly Invitae), Labcorp
Classification: Benign for Methylmalonic acidemia with homocystinuria, type cblX. Last evaluated: 2024-01-16. Review status: criteria provided, single submitter. Criteria: Invitae Variant Classification Sherloc (09022015). Collection method: clinical testing. Allele origin: germline.

GeneDx
Classification: Likely benign. Last evaluated: 2016-07-21. Review status: criteria provided, single submitter. Criteria: GeneDx Variant Classification (06012015). Collection method: clinical testing. Allele origin: germline. Affected: yes.
Comment: This variant is considered likely benign or benign based on one or more of the following criteria: it is a conservative change, it occurs at a poorly conserved position in the protein, it is predicted to be benign by multiple in silico algorithms, and/or has population frequency not consistent with disease.

NM_005334.3(HCFC1):c.3504C>G (p.Thr1168=)

Gene: HCFC1 (host cell factor C1; minus strand). Cytogenetic location: Xq28.
Variant type: single nucleotide variant.
Coding change: c.3504C>G on transcript NM_005334.3 (MANE Select); coding-DNA position 3504, C replaced by G.
Protein change: p.Thr1168=; no amino-acid change (threonine 1168 retained).
Molecular consequence: synonymous variant.
Genome position (GRCh38, 1-based): chrX:153,954,895, G>C on the plus strand (C>G on the coding strand, the complement: HCFC1 is on the minus strand). VCF-style: chrX-153954895-G-C. GRCh37 (hg19) VCF-style: chrX-153220346-G-C.
Identifiers: ClinVar variation 387262 (VCV000387262.4), dbSNP rs782207714, ClinGen allele CA10557181.